The following is an entry in ClinVar:

ClinVar aggregate classification (germline): Uncertain significance. Review status: criteria provided, multiple submitters, no conflicts (2 of 4 stars). 2 submissions from 2 submitters: Uncertain significance (2). Last evaluated 2024-09-01.

Conditions:
Inborn genetic diseases. Identifiers: MedGen C0950123, MeSH D030342.
Brody myopathy. Also called: BRODY DISEASE. Identifiers: Orphanet 53347, MedGen C1832918, MONDO:0010977, OMIM 601003.

Allele frequency attached by ClinVar (database versions not stated): gnomAD 0.00001; gnomAD exomes 0.00001 and 0.00006; TOPMed 0.00003; ExAC 0.00010; 1000 Genomes Project 30x 0.00016; 1000 Genomes Project 0.00020.
gnomAD v4.1: 22 of 1,614,224 alleles (0.0014%); highest among the groups gnomAD compares: Admixed American, 0.027%; no homozygotes.

Submissions (2):

Ambry Genetics
Classification: Uncertain significance for Inborn genetic diseases. Last evaluated: 2024-09-01. Review status: criteria provided, single submitter. Criteria: Ambry Variant Classification Scheme 2023. Collection method: clinical testing. Allele origin: germline.

Labcorp Genetics (formerly Invitae), Labcorp
Classification: Uncertain significance for Brody myopathy. Last evaluated: 2021-09-11. Review status: criteria provided, single submitter. Criteria: Invitae Variant Classification Sherloc (09022015). Collection method: clinical testing. Allele origin: germline.
Comment: In summary, the available evidence is currently insufficient to determine the role of this variant in disease. Therefore, it has been classified as a Variant of Uncertain Significance. Algorithms developed to predict the effect of missense changes on protein structure and function are either unavailable or do not agree on the potential impact of this missense change (SIFT: "Deleterious"; PolyPhen-2: "Probably Damaging"; Align-GVGD: "Class C0"). This variant has not been reported in the literature in individuals affected with ATP2A1-related conditions. This variant is present in population databases (rs201306038, ExAC 0.1%). This sequence change replaces arginine with cysteine at codon 672 of the ATP2A1 protein (p.Arg672Cys). The arginine residue is highly conserved and there is a large physicochemical difference between arginine and cysteine.

NM_004320.6(ATP2A1):c.2014C>T (p.Arg672Cys)

Gene: ATP2A1 (ATPase sarcoplasmic/endoplasmic reticulum Ca2+ transporting 1; plus strand). Cytogenetic location: 16p11.2.
Variant type: single nucleotide variant.
Coding change: c.2014C>T on transcript NM_004320.6 (MANE Select); coding-DNA position 2014, C replaced by T.
Protein change: p.Arg672Cys; replaces arginine 672 with cysteine.
Molecular consequence: missense variant.
Genome position (GRCh38, 1-based): chr16:28,900,830, C>T. VCF-style: chr16-28900830-C-T. GRCh37 (hg19) VCF-style: chr16-28912151-C-T.
Other names: c.1639C>T, p.Arg547Cys (NM_001286075.2); c.2014C>T, p.Arg672Cys (NM_173201.5); short protein forms R547C, R672C.
Identifiers: ClinVar variation 658730 (VCV000658730.6), dbSNP rs201306038, ClinGen allele CA7987148.